The following is an entry in ClinVar:

ClinVar aggregate classification (germline): Uncertain significance. Review status: criteria provided, multiple submitters, no conflicts (2 of 4 stars). 3 submissions from 3 submitters: Uncertain significance (3). Last evaluated 2023-07-27.

Conditions:
Hereditary cancer-predisposing syndrome. Also called: Tumor predisposition; Hereditary Cancer Syndrome; Hereditary neoplastic syndrome; Neoplastic Syndromes, Hereditary. Identifiers: Orphanet 140162, MedGen C0027672, MeSH D009386, MONDO:0015356.
Ataxia-telangiectasia syndrome (AT). Also called: Ataxia-telangiectasia, complementation group D; AT, COMPLEMENTATION GROUP C; ATAXIA-TELANGIECTASIA, COMPLEMENTATION GROUP A; ATAXIA-TELANGIECTASIA, FRESNO VARIANT; Ataxia-telangiectasia, complementation group E; LOUIS-BAR SYNDROME. Identifiers: Orphanet 100, MedGen C0004135, MONDO:0008840, OMIM 208900.

Submissions (3):

GeneDx
Classification: Uncertain significance. Last evaluated: 2023-07-27. Review status: criteria provided, single submitter. Criteria: GeneDx Variant Classification Process June 2021. Collection method: clinical testing. Allele origin: germline. Affected: yes.
Comment: Not observed at significant frequency in large population cohorts (gnomAD); In silico analysis supports that this missense variant does not alter protein structure/function; Has not been previously published as pathogenic or benign to our knowledge; This variant is associated with the following publications: (PMID: 23532176)

Ambry Genetics
Classification: Uncertain significance for Hereditary cancer-predisposing syndrome. Last evaluated: 2022-12-14. Review status: criteria provided, single submitter. Criteria: Ambry Variant Classification Scheme 2023. Collection method: clinical testing. Allele origin: germline.
Comment: The p.L2952I variant (also known as c.8854C>A), located in coding exon 61 of the ATM gene, results from a C to A substitution at nucleotide position 8854. The leucine at codon 2952 is replaced by isoleucine, an amino acid with highly similar properties. This amino acid position is conserved. In addition, the in silico prediction for this alteration is inconclusive. Since supporting evidence is limited at this time, the clinical significance of this alteration remains unclear.

Labcorp Genetics (formerly Invitae), Labcorp
Classification: Uncertain significance for Ataxia-telangiectasia syndrome. Last evaluated: 2021-12-23. Review status: criteria provided, single submitter. Criteria: Invitae Variant Classification Sherloc (09022015). Collection method: clinical testing. Allele origin: germline.
Comment: This sequence change replaces leucine, which is neutral and non-polar, with isoleucine, which is neutral and non-polar, at codon 2952 of the ATM protein (p.Leu2952Ile). This variant is not present in population databases (gnomAD no frequency). This variant has not been reported in the literature in individuals affected with ATM-related conditions. Advanced modeling of protein sequence and biophysical properties (such as structural, functional, and spatial information, amino acid conservation, physicochemical variation, residue mobility, and thermodynamic stability) performed at Invitae indicates that this missense variant is expected to disrupt ATM protein function. In summary, the available evidence is currently insufficient to determine the role of this variant in disease. Therefore, it has been classified as a Variant of Uncertain Significance.

NM_000051.4(ATM):c.8854C>A (p.Leu2952Ile)

Genes: ATM (ATM serine/threonine kinase; plus strand), C11orf65 (chromosome 11 open reading frame 65; minus strand). Cytogenetic location: 11q22.3.
Variant type: single nucleotide variant.
Coding change: c.8854C>A on transcript NM_000051.4 (MANE Select); coding-DNA position 8854, C replaced by A.
Protein change: p.Leu2952Ile; replaces leucine 2952 with isoleucine.
Molecular consequence: missense variant. On other transcripts: intron variant (2).
Genome position (GRCh38, 1-based): chr11:108,365,085, C>A. VCF-style: chr11-108365085-C-A. GRCh37 (hg19) VCF-style: chr11-108235812-C-A.
Other names: c.8854C>A, p.Leu2952Ile (NM_001351834.2); c.640+20835G>T (NM_001330368.2); c.694+20835G>T (NM_001351110.2); short protein forms L2952I.
Identifiers: ClinVar variation 2056226 (VCV002056226.7), dbSNP rs1555151218, ClinGen allele CA382529540.